The following is an entry in ClinVar:

NM_017534.6(MYH2):c.1334G>A (p.Arg445His)

Genes: MYH2 (myosin heavy chain 2; minus strand), MYHAS (myosin heavy chain gene cluster antisense RNA; plus strand). Cytogenetic location: 17p13.1.
Variant type: single nucleotide variant.
Coding change: c.1334G>A on transcript NM_017534.6 (MANE Select); coding-DNA position 1334, G replaced by A.
Protein change: p.Arg445His; replaces arginine 445 with histidine.
Molecular consequence: missense variant.
Genome position (GRCh38, 1-based): chr17:10,539,287, C>T on the plus strand (G>A on the coding strand, the complement: MYH2 is on the minus strand). VCF-style: chr17-10539287-C-T. GRCh37 (hg19) VCF-style: chr17-10442604-C-T.
Other names: c.1334G>A, p.Arg445His (NM_001100112.2); short protein forms R445H.
Identifiers: ClinVar variation 834381 (VCV000834381.9), dbSNP rs201040489, ClinGen allele CA8391389.

ClinVar aggregate classification (germline): Uncertain significance. Review status: criteria provided, multiple submitters, no conflicts (2 of 4 stars). 2 submissions from 2 submitters: Uncertain significance (2). Last evaluated 2025-11-15.

Conditions:
Myopathy, proximal, and ophthalmoplegia (CMYO6). Also called: MYOPATHY WITH CONGENITAL JOINT CONTRACTURES, OPHTHALMOPLEGIA, AND RIMMED VACUOLES; INCLUSION BODY MYOPATHY 3, AUTOSOMAL DOMINANT; CONGENITAL MYOPATHY 6 WITH OPHTHALMOPLEGIA. Identifiers: Orphanet 363677, Orphanet 79091, MedGen C1854106, MONDO:0011577, OMIM 605637.

Allele frequency attached by ClinVar (database versions not stated): gnomAD exomes 0.00006; ExAC 0.00007; ESP Exome Variant Server 0.00015; gnomAD 0.00015; TOPMed 0.00018; 1000 Genomes Project 0.00020; 1000 Genomes Project 30x 0.00031.

Submissions (2):

Labcorp Genetics (formerly Invitae), Labcorp
Classification: Uncertain significance for Myopathy, proximal, and ophthalmoplegia. Last evaluated: 2025-11-15. Review status: criteria provided, single submitter. Criteria: Invitae Variant Classification Sherloc (09022015). Collection method: clinical testing. Allele origin: germline.
Comment: This sequence change replaces arginine, which is basic and polar, with histidine, which is basic and polar, at codon 445 of the MYH2 protein (p.Arg445His). This variant is present in population databases (rs201040489, gnomAD 0.03%). This variant has not been reported in the literature in individuals affected with MYH2-related conditions. ClinVar contains an entry for this variant (Variation ID: 834381). Invitae Evidence Modeling of protein sequence and biophysical properties (such as structural, functional, and spatial information, amino acid conservation, physicochemical variation, residue mobility, and thermodynamic stability) indicates that this missense variant is expected to disrupt MYH2 protein function with a positive predictive value of 80%. In summary, the available evidence is currently insufficient to determine the role of this variant in disease. Therefore, it has been classified as a Variant of Uncertain Significance.

Revvity Omics, Revvity
Classification: Uncertain significance for Myopathy, proximal, and ophthalmoplegia. Last evaluated: 2020-01-16. Review status: criteria provided, single submitter. Criteria: ACMG Guidelines, 2015. Collection method: clinical testing. Allele origin: germline.